The following is an entry in ClinVar:

ClinVar aggregate classification (germline): Uncertain significance (1 of 4 stars; one submission).

Conditions:
Hypertrophic cardiomyopathy 14. Identifiers: MedGen C2750467, MONDO:0013197, OMIM 613251.

Submission:

Labcorp Genetics (formerly Invitae), Labcorp
Classification: Uncertain significance for Hypertrophic cardiomyopathy 14. Last evaluated: 2022-07-17. Review status: criteria provided, single submitter. Criteria: Invitae Variant Classification Sherloc (09022015). Collection method: clinical testing. Allele origin: germline.
Comment: This variant is not present in population databases (gnomAD no frequency). This sequence change replaces leucine, which is neutral and non-polar, with valine, which is neutral and non-polar, at codon 987 of the MYH6 protein (p.Leu987Val). This variant has not been reported in the literature in individuals affected with MYH6-related conditions. Algorithms developed to predict the effect of missense changes on protein structure and function are either unavailable or do not agree on the potential impact of this missense change (SIFT: "Deleterious"; PolyPhen-2: "Benign"; Align-GVGD: "Class C0"). In summary, the available evidence is currently insufficient to determine the role of this variant in disease. Therefore, it has been classified as a Variant of Uncertain Significance.

NM_002471.4(MYH6):c.2959C>G (p.Leu987Val)

Gene: MYH6 (myosin heavy chain 6; minus strand). Cytogenetic location: 14q11.2.
Variant type: single nucleotide variant.
Coding change: c.2959C>G on transcript NM_002471.4 (MANE Select); coding-DNA position 2959, C replaced by G.
Protein change: p.Leu987Val; replaces leucine 987 with valine.
Molecular consequence: missense variant.
Genome position (GRCh38, 1-based): chr14:23,393,488, G>C on the plus strand (C>G on the coding strand, the complement: MYH6 is on the minus strand). VCF-style: chr14-23393488-G-C. GRCh37 (hg19) VCF-style: chr14-23862697-G-C.
Other names: short protein forms L987V.
Identifiers: ClinVar variation 2099895 (VCV002099895.4), dbSNP rs2502169357, ClinGen allele CA389011302.